The following is an entry in ClinVar:

NM_005488.3(TOM1):c.790A>G (p.Met264Val)

Gene: TOM1 (target of myb1 membrane trafficking protein; plus strand). Cytogenetic location: 22q12.3.
Variant type: single nucleotide variant.
Coding change: c.790A>G on transcript NM_005488.3 (MANE Select); coding-DNA position 790, A replaced by G.
Protein change: p.Met264Val; replaces methionine 264 with valine.
Molecular consequence: missense variant. On other transcripts: non-coding transcript variant (3).
Genome position (GRCh38, 1-based): chr22:35,330,371, A>G. VCF-style: chr22-35330371-A-G. GRCh37 (hg19) VCF-style: chr22-35726364-A-G.
Other names: c.691A>G, p.Met231Val (NM_001135729.2); c.655A>G, p.Met219Val (NM_001135730.2); c.790A>G, p.Met264Val (NM_001135732.2); short protein forms M219V, M264V, M231V.
Identifiers: ClinVar variation 2342348 (VCV002342348.25), dbSNP rs34371697, ClinGen allele CA10204262.

ClinVar aggregate classification (germline): Conflicting classifications of pathogenicity. Review status: criteria provided, conflicting classifications (1 of 4 stars). 2 submissions from 2 submitters: Uncertain significance (1); Likely benign (1). Last evaluated 2025-01-04.

Allele frequency attached by ClinVar (database versions not stated): ExAC 0.00050; ESP Exome Variant Server 0.00069; TOPMed 0.00078; gnomAD 0.00081.
gnomAD v4.1: 1,736 of 1,613,028 alleles (0.11%); highest among the groups gnomAD compares: Non-Finnish European, 0.14%; 5 homozygotes.

Submissions (2):

Ambry Genetics
Classification: Uncertain significance. Last evaluated: 2025-01-04. Review status: criteria provided, single submitter. Criteria: Ambry Variant Classification Scheme 2023. Collection method: clinical testing. Allele origin: germline.

CeGaT Center for Human Genetics Tuebingen
Classification: Likely benign. Last evaluated: 2024-02-01. Review status: criteria provided, single submitter. Criteria: CeGaT Center For Human Genetics Tuebingen Variant Classification Criteria Version 2. Collection method: clinical testing. Allele origin: germline. Affected: yes. Observed: 1 variant allele.
Comment: TOM1: BS1